The following is an entry in ClinVar:

ClinVar aggregate classification (germline): Likely benign (0 of 4 stars; one submission).

Conditions:
DYRK1B-related disorder. Also called: DYRK1B-related condition.

Submission:

PreventionGenetics, part of Exact Sciences
Classification: Likely benign for DYRK1B-related condition. Last evaluated: 2023-12-29. Review status: no assertion criteria provided. Collection method: clinical testing. Allele origin: germline.
Comment: This variant is classified as likely benign based on ACMG/AMP sequence variant interpretation guidelines (Richards et al. 2015 PMID: 25741868, with internal and published modifications).

NM_004714.3(DYRK1B):c.363C>G (p.Ser121=)

Gene: DYRK1B (dual specificity tyrosine phosphorylation regulated kinase 1B; minus strand). Cytogenetic location: 19q13.2.
Variant type: single nucleotide variant.
Coding change: c.363C>G on transcript NM_004714.3 (MANE Select); coding-DNA position 363, C replaced by G.
Protein change: p.Ser121=; no amino-acid change (serine 121 retained).
Molecular consequence: synonymous variant.
Genome position (GRCh38, 1-based): chr19:39,830,384, G>C on the plus strand (C>G on the coding strand, the complement: DYRK1B is on the minus strand). VCF-style: chr19-39830384-G-C. GRCh37 (hg19) VCF-style: chr19-40321024-G-C.
Other names: c.363C>G, p.Ser121= (NM_006483.3, NM_006484.3).
Identifiers: ClinVar variation 3347973 (VCV003347973.1).